The following is an entry in ClinVar:

NM_001267550.2(TTN):c.5993G>T (p.Arg1998Leu)

Gene: TTN (titin; minus strand). Cytogenetic location: 2q31.2.
Variant type: single nucleotide variant.
Coding change: c.5993G>T on transcript NM_001267550.2 (MANE Select); coding-DNA position 5993, G replaced by T.
Protein change: p.Arg1998Leu; replaces arginine 1998 with leucine.
Molecular consequence: missense variant.
Genome position (GRCh38, 1-based): chr2:178,775,871, C>A on the plus strand (G>T on the coding strand, the complement: TTN is on the minus strand). VCF-style: chr2-178775871-C-A. GRCh37 (hg19) VCF-style: chr2-179640598-C-A.
Other names: c.5993G>T, p.Arg1998Leu (NM_001256850.1, NM_133378.4, NM_133379.5); c.5855G>T, p.Arg1952Leu (NM_003319.4, NM_133432.3, NM_133437.4); short protein forms R1952L, R1998L.
Identifiers: ClinVar variation 1163821 (VCV001163821.12), dbSNP rs144135510, ClinGen allele CA2005116.

ClinVar aggregate classification (germline): Uncertain significance. Review status: criteria provided, multiple submitters, no conflicts (2 of 4 stars). 4 submissions from 4 submitters: Uncertain significance (4). Last evaluated 2025-11-19.

Conditions:
Cardiovascular phenotype. Identifiers: MedGen CN230736.
TTN-related disorder. Also called: TTN-related disorders; TTN-related condition; TTN-related disease.

gnomAD v4.1: 71 of 1,614,012 alleles (0.0044%); highest among the groups gnomAD compares: Non-Finnish European, 0.0048%; no homozygotes.

Submissions (4):

PreventionGenetics, part of Exact Sciences
Classification: Uncertain significance for TTN-related condition. Last evaluated: 2025-11-19. Review status: criteria provided, single submitter. Criteria: ACMG Guidelines, 2015. Collection method: clinical testing. Allele origin: germline.
Comment: The TTN c.5993G>T variant is predicted to result in the amino acid substitution p.Arg1998Leu. To our knowledge, this variant has not been reported in the literature. This variant is reported in 0.0070% of alleles in individuals of European (Non-Finnish) descent in gnomAD. At this time, the clinical significance of this variant is uncertain due to the absence of conclusive functional and genetic evidence.

Revvity Omics, Revvity
Classification: Uncertain significance. Last evaluated: 2025-01-23. Review status: criteria provided, single submitter. Criteria: ACMG Guidelines, 2015. Collection method: clinical testing. Allele origin: germline.

Mayo Clinic Laboratories, Mayo Clinic
Classification: Uncertain significance. Last evaluated: 2020-06-12. Review status: criteria provided, single submitter. Criteria: ACMG Guidelines, 2015. Collection method: clinical testing. Allele origin: germline. Observed: 1 variant allele.

Ambry Genetics
Classification: Uncertain significance for Cardiovascular phenotype. Last evaluated: 2019-11-19. Review status: criteria provided, single submitter. Criteria: Ambry Variant Classification Scheme 2023. Collection method: clinical testing. Allele origin: germline.
Comment: The p.R1952L variant (also known as c.5855G>T), located in coding exon 26 of the TTN gene, results from a G to T substitution at nucleotide position 5855. The arginine at codon 1952 is replaced by leucine, an amino acid with dissimilar properties. This amino acid position is well conserved in available vertebrate species. In addition, the in silico prediction for this alteration is inconclusive. Since supporting evidence is limited at this time, the clinical significance of this alteration remains unclear.